The following is an entry in ClinVar:

NM_018993.4(RIN2):c.85G>A (p.Gly29Arg)

Gene: RIN2 (Ras and Rab interactor 2; plus strand). Cytogenetic location: 20p11.23.
Variant type: single nucleotide variant.
Coding change: c.85G>A on transcript NM_018993.4 (MANE Select); coding-DNA position 85, G replaced by A.
Protein change: p.Gly29Arg; replaces glycine 29 with arginine.
Molecular consequence: missense variant. On other transcripts: 5 prime UTR variant (1).
Genome position (GRCh38, 1-based): chr20:19,935,126, G>A. VCF-style: chr20-19935126-G-A. GRCh37 (hg19) VCF-style: chr20-19915770-G-A.
Other names: c.232G>A, p.Gly78Arg (NM_001242581.2); c.-461G>A (NM_001378238.1); short protein forms G29R, G78R.
Identifiers: ClinVar variation 390346 (VCV000390346.11), dbSNP rs78648341, ClinGen allele CA9779716.

ClinVar aggregate classification (germline): Benign. Review status: criteria provided, multiple submitters, no conflicts (2 of 4 stars). 4 submissions from 4 submitters: Benign (4). Last evaluated 2026-02-04.

Conditions:
RIN2 syndrome. Also called: TALL FOREHEAD, SPARSE HAIR, SKIN HYPEREXTENSIBILITY, AND SCOLIOSIS; MACS SYNDROME. Identifiers: Orphanet 217335, MedGen C2751321, MONDO:0013115, OMIM 613075.

Allele frequency attached by ClinVar (database versions not stated): 1000 Genomes Project 30x 0.00734; 1000 Genomes Project 0.00739; ESP Exome Variant Server 0.00840; TOPMed 0.00894; gnomAD 0.01157 and 0.01238; gnomAD exomes 0.01245; ExAC 0.02265.
gnomAD v4.1: 22,262 of 1,602,462 alleles (1.4%); highest among the groups gnomAD compares: Non-Finnish European, 1.5%; 206 homozygotes.

Submissions (4):

Labcorp Genetics (formerly Invitae), Labcorp
Classification: Benign. Last evaluated: 2026-02-04. Review status: criteria provided, single submitter. Criteria: Invitae Variant Classification Sherloc (09022015). Collection method: clinical testing. Allele origin: germline.

Fulgent Genetics
Classification: Benign for RIN2 syndrome. Last evaluated: 2021-07-28. Review status: criteria provided, single submitter. Criteria: ACMG Guidelines, 2015. Collection method: clinical testing. Allele origin: unknown.

GeneDx
Classification: Benign. Last evaluated: 2016-11-07. Review status: criteria provided, single submitter. Criteria: GeneDx Variant Classification (06012015). Collection method: clinical testing. Allele origin: germline. Affected: yes.
Comment: This variant is considered likely benign or benign based on one or more of the following criteria: it is a conservative change, it occurs at a poorly conserved position in the protein, it is predicted to be benign by multiple in silico algorithms, and/or has population frequency not consistent with disease.

Breakthrough Genomics
Classification: Benign. Review status: criteria provided, single submitter. Criteria: ACMG Guidelines, 2015. Collection method: not provided. Allele origin: germline. Inheritance: Autosomal recessive inheritance. Affected: yes.